The following is an entry in ClinVar:

NM_001852.4(COL9A2):c.1997C>A (p.Pro666His)

Gene: COL9A2 (collagen type IX alpha 2 chain; minus strand). Cytogenetic location: 1p34.2.
Variant type: single nucleotide variant.
Coding change: c.1997C>A on transcript NM_001852.4 (MANE Select); coding-DNA position 1997, C replaced by A.
Protein change: p.Pro666His; replaces proline 666 with histidine.
Molecular consequence: missense variant.
Genome position (GRCh38, 1-based): chr1:40,301,255, G>T on the plus strand (C>A on the coding strand, the complement: COL9A2 is on the minus strand). VCF-style: chr1-40301255-G-T. GRCh37 (hg19) VCF-style: chr1-40766927-G-T.
Other names: short protein forms P666H.
Identifiers: ClinVar variation 2746842 (VCV002746842.3), dbSNP rs1288563189, ClinGen allele CA339873849.

ClinVar aggregate classification (germline): Uncertain significance (1 of 4 stars; one submission).

gnomAD v4.1: 2 of 1,614,188 alleles (0.00012%); highest among the groups gnomAD compares: South Asian, 0.0022%; no homozygotes.

Submission:

Labcorp Genetics (formerly Invitae), Labcorp
Classification: Uncertain significance. Last evaluated: 2023-07-25. Review status: criteria provided, single submitter. Criteria: Invitae Variant Classification Sherloc (09022015). Collection method: clinical testing. Allele origin: germline.
Comment: In summary, the available evidence is currently insufficient to determine the role of this variant in disease. Therefore, it has been classified as a Variant of Uncertain Significance. Advanced modeling of protein sequence and biophysical properties (such as structural, functional, and spatial information, amino acid conservation, physicochemical variation, residue mobility, and thermodynamic stability) performed at Invitae indicates that this missense variant is not expected to disrupt COL9A2 protein function. This variant has not been reported in the literature in individuals affected with COL9A2-related conditions. This variant is present in population databases (no rsID available, gnomAD 0.003%). This sequence change replaces proline, which is neutral and non-polar, with histidine, which is basic and polar, at codon 666 of the COL9A2 protein (p.Pro666His).